The following is an entry in ClinVar:

NM_000245.4(MET):c.3023C>T (p.Pro1008Leu)

Gene: MET (MET proto-oncogene, receptor tyrosine kinase; plus strand). Cytogenetic location: 7q31.2.
Variant type: single nucleotide variant.
Coding change: c.3023C>T on transcript NM_000245.4 (MANE Select); coding-DNA position 3023, C replaced by T.
Protein change: p.Pro1008Leu; replaces proline 1008 with leucine.
Molecular consequence: missense variant.
Genome position (GRCh38, 1-based): chr7:116,771,984, C>T. VCF-style: chr7-116771984-C-T. GRCh37 (hg19) VCF-style: chr7-116412038-C-T.
Other names: c.3077C>T, p.Pro1026Leu (NM_001127500.3); c.1733C>T, p.Pro578Leu (NM_001324402.2); short protein forms P578L, P1026L, P1008L.
Identifiers: ClinVar variation 1727319 (VCV001727319.6), dbSNP rs760153701, ClinGen allele CA4448625.

ClinVar aggregate classification (germline): Conflicting classifications of pathogenicity. Review status: criteria provided, conflicting classifications (1 of 4 stars). 2 submissions from 2 submitters: Uncertain significance (1); Likely benign (1). Last evaluated 2025-10-19.

Conditions:
Renal cell carcinoma. Identifiers: Orphanet 217071, MedGen C0007134, MeSH D002292, MONDO:0005086, HP:0005584.
Hereditary cancer-predisposing syndrome. Also called: Tumor predisposition; Neoplastic Syndromes, Hereditary; Hereditary Cancer Syndrome; Hereditary neoplastic syndrome. Identifiers: Orphanet 140162, MedGen C0027672, MeSH D009386, MONDO:0015356.

Allele frequency attached by ClinVar (database versions not stated): ExAC 0.00001.
gnomAD v4.1: 1 of 1,613,724 alleles (0.000062%); no homozygotes.

Submissions (2):

Labcorp Genetics (formerly Invitae), Labcorp
Classification: Uncertain significance for Renal cell carcinoma. Last evaluated: 2025-10-19. Review status: criteria provided, single submitter. Criteria: Invitae Variant Classification Sherloc (09022015). Collection method: clinical testing. Allele origin: germline.
Comment: This sequence change replaces proline, which is neutral and non-polar, with leucine, which is neutral and non-polar, at codon 1026 of the MET protein (p.Pro1026Leu). This variant is not present in population databases (gnomAD no frequency). This variant has not been reported in the literature in individuals affected with MET-related conditions. ClinVar contains an entry for this variant (Variation ID: 1727319). An algorithm developed to predict the effect of missense changes on protein structure and function (PolyPhen-2) suggests that this variant is likely to be disruptive. In summary, the available evidence is currently insufficient to determine the role of this variant in disease. Therefore, it has been classified as a Variant of Uncertain Significance.

Ambry Genetics
Classification: Likely benign for Hereditary cancer-predisposing syndrome. Last evaluated: 2024-09-05. Review status: criteria provided, single submitter. Criteria: Ambry Variant Classification Scheme 2023. Collection method: clinical testing. Allele origin: germline.